The following is an entry in ClinVar:

NM_138927.4(SON):c.5947C>T (p.Arg1983Cys)

Gene: SON (SON DNA and RNA binding protein; plus strand). Cytogenetic location: 21q22.11.
Variant type: single nucleotide variant.
Coding change: c.5947C>T on transcript NM_138927.4 (MANE Select); coding-DNA position 5947, C replaced by T.
Protein change: p.Arg1983Cys; replaces arginine 1983 with cysteine.
Molecular consequence: missense variant. On other transcripts: non-coding transcript variant (1), intron variant (1).
Genome position (GRCh38, 1-based): chr21:33,555,178, C>T. VCF-style: chr21-33555178-C-T. GRCh37 (hg19) VCF-style: chr21-34927484-C-T.
Other names: c.5947C>T, p.Arg1983Cys (NM_001291411.2, NM_001412133.1, NM_032195.3 and 2 more transcripts); c.245-1978C>T (NM_001291412.3); short protein forms R1983C.
Identifiers: ClinVar variation 2065697 (VCV002065697.28), dbSNP rs2085939009, ClinGen allele CA410165860.

ClinVar aggregate classification (germline): Uncertain significance. Review status: criteria provided, multiple submitters, no conflicts (2 of 4 stars). 2 submissions from 2 submitters: Uncertain significance (2). Last evaluated 2023-10-01.

Allele frequency attached by ClinVar (database versions not stated): gnomAD exomes below 0.00001; TOPMed below 0.00001.
gnomAD v4.1: 3 of 1,551,166 alleles (0.00019%); highest among the groups gnomAD compares: East Asian, 0.0026%; no homozygotes.

Submissions (2):

CeGaT Center for Human Genetics Tuebingen
Classification: Uncertain significance. Last evaluated: 2023-10-01. Review status: criteria provided, single submitter. Criteria: CeGaT Center For Human Genetics Tuebingen Variant Classification Criteria Version 2. Collection method: clinical testing. Allele origin: germline. Affected: yes. Observed: 1 variant allele.
Comment: SON: PM2, PP2

Labcorp Genetics (formerly Invitae), Labcorp
Classification: Uncertain significance. Last evaluated: 2023-08-02. Review status: criteria provided, single submitter. Criteria: Invitae Variant Classification Sherloc (09022015). Collection method: clinical testing. Allele origin: germline.
Comment: This sequence change replaces arginine, which is basic and polar, with cysteine, which is neutral and slightly polar, at codon 1983 of the SON protein (p.Arg1983Cys). This variant is not present in population databases (gnomAD no frequency). This variant has not been reported in the literature in individuals affected with SON-related conditions. ClinVar contains an entry for this variant (Variation ID: 2065697). Experimental studies and prediction algorithms are not available or were not evaluated, and the functional significance of this variant is currently unknown. In summary, the available evidence is currently insufficient to determine the role of this variant in disease. Therefore, it has been classified as a Variant of Uncertain Significance.